The following is an entry in ClinVar:

NM_001001331.4(ATP2B2):c.1728C>T (p.Phe576=)

Gene: ATP2B2 (ATPase plasma membrane Ca2+ transporting 2; minus strand). Cytogenetic location: 3p25.3.
Variant type: single nucleotide variant.
Coding change: c.1728C>T on transcript NM_001001331.4 (MANE Select); coding-DNA position 1728, C replaced by T.
Protein change: p.Phe576=; no amino-acid change (phenylalanine 576 retained).
Molecular consequence: synonymous variant.
Genome position (GRCh38, 1-based): chr3:10,360,055, G>A on the plus strand (C>T on the coding strand, the complement: ATP2B2 is on the minus strand). VCF-style: chr3-10360055-G-A. GRCh37 (hg19) VCF-style: chr3-10401739-G-A.
Other names: c.1593C>T, p.Phe531= (NM_001330611.3, NM_001353564.1, NM_001363862.1 and 2 more transcripts); c.1635C>T, p.Phe545= (NM_001438646.1).
Identifiers: ClinVar variation 4989808 (VCV004989808.1).

ClinVar aggregate classification (germline): Likely benign (1 of 4 stars; one submission).

Conditions:
ATP2B2-related disorder. Also called: ATP2B2-related condition.

gnomAD v4.1: 99 of 1,612,312 alleles (0.0061%); highest among the groups gnomAD compares: African/African-American, 0.011%; no homozygotes.

Submission:

PreventionGenetics, part of Exact Sciences
Classification: Likely benign for ATP2B2-related condition. Last evaluated: 2026-02-09. Review status: criteria provided, single submitter. Criteria: ACMG Guidelines, 2015. Collection method: clinical testing. Allele origin: germline.
Comment: This variant is classified as likely benign based on ACMG/AMP sequence variant interpretation guidelines (Richards et al. 2015 PMID: 25741868, with internal and published modifications).